The following is an entry in ClinVar:

NM_000540.3(RYR1):c.506T>G (p.Ile169Ser)

Gene: RYR1 (ryanodine receptor 1; plus strand). Cytogenetic location: 19q13.2.
Variant type: single nucleotide variant.
Coding change: c.506T>G on transcript NM_000540.3 (MANE Select); coding-DNA position 506, T replaced by G.
Protein change: p.Ile169Ser; replaces isoleucine 169 with serine.
Molecular consequence: missense variant.
Genome position (GRCh38, 1-based): chr19:38,444,230, T>G. VCF-style: chr19-38444230-T-G. GRCh37 (hg19) VCF-style: chr19-38934870-T-G.
Other names: c.506T>G, p.Ile169Ser (NM_001042723.2); short protein forms I169S.
Identifiers: ClinVar variation 3070725 (VCV003070725.1), dbSNP rs922385134, ClinGen allele CA405676992.

ClinVar aggregate classification (germline): Uncertain significance (1 of 4 stars; one submission).

Conditions:
Malignant hyperthermia, susceptibility to, 1 (MHS1). Also called: Anesthesia related hyperthermia; Malignant hyperpyrexia; Fulminating hyperpyrexia; Pharmacogenic myopathy; RYR1-Related Malignant Hyperthermia Susceptibility; Malignant hyperthermia suceptibility 1. Identifiers: Orphanet 423, MedGen C2930980, MONDO:0007783, OMIM 145600.

Submission:

All of Us Research Program, National Institutes of Health
Classification: Uncertain significance for Malignant hyperthermia, susceptibility to, 1. Last evaluated: 2023-05-04. Review status: criteria provided, single submitter. Criteria: ACMG Guidelines, 2015. Collection method: clinical testing. Allele origin: germline. Inheritance: Autosomal dominant inheritance. Observed: 1 variant allele, 1 heterozygote.
Comment: This missense variant replaces isoleucine with serine at codon 169 of the RYR1 protein. Computational prediction suggests that this variant may have deleterious impact on protein structure and function (internally defined REVEL score threshold >= 0.7, PMID: 27666373). To our knowledge, functional studies have not been reported for this variant. This variant has not been reported in individuals affected with RYR1-related disorders in the literature. This variant has not been identified in the general population by the Genome Aggregation Database (gnomAD). The available evidence is insufficient to determine the role of this variant in disease conclusively. Therefore, this variant is classified as a Variant of Uncertain Significance.

This study involves interpretation of variants in research participants for the purpose of population health screening. Participant phenotype was not available at the time of variant classification. Additional details can be found in publication PMID: 35346344, PMCID: PMC8962531